The following is an entry in ClinVar:

ClinVar aggregate classification (germline): Uncertain significance. Review status: criteria provided, multiple submitters, no conflicts (2 of 4 stars). 4 submissions from 4 submitters: Uncertain significance (3). 1 of the submissions does not count toward it. Last evaluated 2025-02-02.

Conditions:
CIT-related disorder. Also called: CIT-related condition.

Allele frequency attached by ClinVar (database versions not stated): ExAC 0.00001; gnomAD exomes 0.00001; gnomAD 0.00003; TOPMed 0.00011.
gnomAD v4.1: 24 of 1,614,112 alleles (0.0015%); highest among the groups gnomAD compares: Admixed American, 0.015%; no homozygotes.

Submissions (4):

Dasa
Classification: Uncertain significance. Last evaluated: 2025-02-02. Review status: criteria provided, single submitter. Criteria: DASA Assertion Criteria. Collection method: clinical testing. Allele origin: germline.
Comment: NM_001206999.2(CIT):c.4397C>A (p.Ala1466Asp) is a missense variant that results in the substitution of alanine with aspartic acid. This variant is rare in population databases. Computational prediction algorithms are consistent with a benign effect. The currently available literature and clinical evidence are not sufficient to establish a definitive association between this variant and the reported condition. Therefore, this variant is classified as a variant of uncertain significance.

GeneDx
Classification: Uncertain significance. Last evaluated: 2024-12-04. Review status: criteria provided, single submitter. Criteria: GeneDx Variant Classification Process June 2021. Collection method: clinical testing. Allele origin: germline. Affected: yes.
Comment: Not observed at significant frequency in large population cohorts (gnomAD); In silico analysis indicates that this missense variant does not alter protein structure/function; Has not been previously published as pathogenic or benign to our knowledge

Labcorp Genetics (formerly Invitae), Labcorp
Classification: Uncertain significance. Last evaluated: 2023-09-28. Review status: criteria provided, single submitter. Criteria: Invitae Variant Classification Sherloc (09022015). Collection method: clinical testing. Allele origin: germline.
Comment: In summary, the available evidence is currently insufficient to determine the role of this variant in disease. Therefore, it has been classified as a Variant of Uncertain Significance. An algorithm developed to predict the effect of missense changes on protein structure and function (PolyPhen-2) suggests that this variant is likely to be disruptive. ClinVar contains an entry for this variant (Variation ID: 2505847). This variant has not been reported in the literature in individuals affected with CIT-related conditions. This variant is present in population databases (rs754251381, gnomAD 0.009%). This sequence change replaces alanine, which is neutral and non-polar, with aspartic acid, which is acidic and polar, at codon 1466 of the CIT protein (p.Ala1466Asp).

PreventionGenetics, part of Exact Sciences
Classification: Uncertain significance for CIT-related condition. Last evaluated: 2024-01-03. Review status: no assertion criteria provided. Collection method: clinical testing. Allele origin: germline. Not counted in ClinVar's aggregate classification.
Comment: The CIT c.4397C>A variant is predicted to result in the amino acid substitution p.Ala1466Asp. To our knowledge, this variant has not been reported in the literature. This variant is reported in 0.0085% of alleles in individuals of Latino descent in gnomAD. At this time, the clinical significance of this variant is uncertain due to the absence of conclusive functional and genetic evidence.

NM_001206999.2(CIT):c.4397C>A (p.Ala1466Asp)

Gene: CIT (citron rho-interacting serine/threonine kinase; minus strand). Cytogenetic location: 12q24.23.
Variant type: single nucleotide variant.
Coding change: c.4397C>A on transcript NM_001206999.2 (MANE Select); coding-DNA position 4397, C replaced by A.
Protein change: p.Ala1466Asp; replaces alanine 1466 with aspartic acid.
Molecular consequence: missense variant.
Genome position (GRCh38, 1-based): chr12:119,713,558, G>T on the plus strand (C>A on the coding strand, the complement: CIT is on the minus strand). VCF-style: chr12-119713558-G-T. GRCh37 (hg19) VCF-style: chr12-120151363-G-T.
Other names: c.4271C>A, p.Ala1424Asp (NM_007174.3); short protein forms A1424D, A1466D.
Identifiers: ClinVar variation 2505847 (VCV002505847.8), dbSNP rs754251381, ClinGen allele CA6821222.